The following is an entry in ClinVar:

NC_000016.10:g.(89799233_89799604)_(89799639_89803258)del

Gene: FANCA (FA complementation group A; minus strand). Cytogenetic location: 16q24.3.
Variant type: Deletion.
Identifiers: ClinVar variation 974099 (VCV000974099.1).

ClinVar aggregate classification (germline): Uncertain significance (0 of 4 stars; one submission).

Conditions:
Fanconi anemia complementation group A (FANCA). Also called: Fanconi anemia, group A; FANCA-Related Fanconi Anemia. Identifiers: Orphanet 84, MedGen C3469521, MONDO:0009215, OMIM 227650.

Submission:

Leiden Open Variation Database
Classification: Uncertain significance for Fanconi anemia complementation group A. Last evaluated: 2020-02-28. Review status: no assertion criteria provided. Collection method: curation. Allele origin: germline. Affected: yes.
Comment: Curator: Arleen D. Auerbach. Submitter to LOVD: Arleen D. Auerbach.